The following is an entry in ClinVar:

NM_018368.4(LMBRD1):c.980+11T>C

Gene: LMBRD1 (LMBR1 domain containing 1; minus strand). Cytogenetic location: 6q13.
Variant type: single nucleotide variant.
Coding change: c.980+11T>C on transcript NM_018368.4 (MANE Select); 11 bases into the intron after coding-DNA position 980, T replaced by C.
Molecular consequence: intron variant.
Genome position (GRCh38, 1-based): chr6:69,701,878, A>G on the plus strand (T>C on the coding strand, the complement: LMBRD1 is on the minus strand). VCF-style: chr6-69701878-A-G. GRCh37 (hg19) VCF-style: chr6-70411770-A-G.
Other names: c.761+11T>C (NM_001367272.1, NM_001367271.1, NM_001363722.2).
Identifiers: ClinVar variation 357772 (VCV000357772.15), dbSNP rs114726590, ClinGen allele CA3879724.

ClinVar aggregate classification (germline): Benign/Likely benign. Review status: criteria provided, multiple submitters, no conflicts (2 of 4 stars). 5 submissions from 5 submitters: Benign (4); Likely benign (1). Last evaluated 2026-01-31.

Conditions:
Methylmalonic aciduria and homocystinuria type cblF. Also called: COBALAMIN F DISEASE; COBALAMIN, DEFECT IN LYSOSOMAL RELEASE OF; METHYLMALONIC ACIDEMIA AND HOMOCYSTINURIA, cblF TYPE; METHYLMALONIC ACIDURIA DUE TO VITAMIN B12-RELEASE DEFECT; VITAMIN B12 LYSOSOMAL RELEASE DEFECT; VITAMIN B12 STORAGE DISEASE. Identifiers: Orphanet 79284, MedGen C1848578, MONDO:0010183, OMIM 277380.

Allele frequency attached by ClinVar (database versions not stated): gnomAD exomes 0.00152 and 0.00427; ExAC 0.00521; gnomAD 0.01637 and 0.01756; 1000 Genomes Project 30x 0.01671; 1000 Genomes Project 0.01737; TOPMed 0.01796; ESP Exome Variant Server 0.01996.
gnomAD v4.1: 4,693 of 1,525,892 alleles (0.31%); highest among the groups gnomAD compares: African/African-American, 5.3%; 101 homozygotes.

Submissions (5):

Labcorp Genetics (formerly Invitae), Labcorp
Classification: Benign for Methylmalonic aciduria and homocystinuria type cblF. Last evaluated: 2026-01-31. Review status: criteria provided, single submitter. Criteria: Invitae Variant Classification Sherloc (09022015). Collection method: clinical testing. Allele origin: germline.

ARUP Laboratories, Molecular Genetics and Genomics, ARUP Laboratories
Classification: Benign for Methylmalonic aciduria and homocystinuria type cblF. Last evaluated: 2025-06-03. Review status: criteria provided, single submitter. Criteria: ARUP Molecular Germline Variant Investigation Process 2024. Collection method: clinical testing. Allele origin: germline.

Fulgent Genetics
Classification: Likely benign for Methylmalonic aciduria and homocystinuria type cblF. Last evaluated: 2021-07-26. Review status: criteria provided, single submitter. Criteria: ACMG Guidelines, 2015. Collection method: clinical testing. Allele origin: unknown.

Illumina Laboratory Services, Illumina
Classification: Benign for Methylmalonic aciduria and homocystinuria type cblF. Last evaluated: 2018-01-13. Review status: criteria provided, single submitter. Criteria: ICSL Variant Classification Criteria 13 December 2019. Collection method: clinical testing. Allele origin: germline.
Comment: This variant was observed in the ICSL laboratory as part of a predisposition screen in an ostensibly healthy population. It had not been previously curated by ICSL or reported in the Human Gene Mutation Database (HGMD: prior to June 1st, 2018), and was therefore a candidate for classification through an automated scoring system. Utilizing variant allele frequency, disease prevalence and penetrance estimates, and inheritance mode, an automated score was calculated to assess if this variant is too frequent to cause the disease. Based on the score and internal cut-off values, a variant classified as benign is not then subjected to further curation. The score for this variant resulted in a classification of benign for this disease.

GeneDx
Classification: Benign. Last evaluated: 2015-12-03. Review status: criteria provided, single submitter. Criteria: GeneDx Variant Classification (06012015). Collection method: clinical testing. Allele origin: germline. Affected: yes.
Comment: This variant is considered likely benign or benign based on one or more of the following criteria: it is a conservative change, it occurs at a poorly conserved position in the protein, it is predicted to be benign by multiple in silico algorithms, and/or has population frequency not consistent with disease.